The following is an entry in ClinVar:

ClinVar aggregate classification (germline): Pathogenic/Likely pathogenic. Review status: criteria provided, multiple submitters, no conflicts (2 of 4 stars). 2 submissions from 2 submitters: Pathogenic (1); Likely pathogenic (1). Last evaluated 2025-06-20.

Conditions:
Mitochondrial complex 5 (ATP synthase) deficiency, nuclear type 6. Also called: MITOCHONDRIAL COMPLEX V (ATP SYNTHASE) DEFICIENCY, NUCLEAR TYPE 6. Identifiers: MedGen C5231461, MONDO:0032869, OMIM 618683.

gnomAD v4.1: 16 of 1,599,348 alleles (0.001%); highest among the groups gnomAD compares: Middle Eastern, 0.017%; no homozygotes.

Submissions (2):

First Genomix Gene Laboratory, Genetic Diagnostics Department
Classification: Likely pathogenic for Mitochondrial complex 5 (ATP synthase) deficiency, nuclear type 6. Last evaluated: 2025-06-20. Review status: criteria provided, single submitter. Criteria: ACMG Guidelines, 2015. Collection method: clinical testing. Allele origin: germline. Inheritance: Autosomal recessive inheritance. Affected: no. Observed: 1 variant allele.

3billion
Classification: Pathogenic for Mitochondrial complex 5 (ATP synthase) deficiency, nuclear type 6. Last evaluated: 2025-03-27. Review status: criteria provided, single submitter. Criteria: ACMG Guidelines, 2015. Collection method: clinical testing. Allele origin: germline. Affected: yes.
Comment: The variant is observed at an extremely low frequency in the gnomAD v4.1.0 dataset (total allele frequency: 0.001%). Predicted Consequence/Location: Canonical splice site: predicted to alter splicing and result in a loss or disruption of normal protein function. Multiple pathogenic loss-of-function variants are reported downstream of the variant. The variant was homozygous. In silico tools predict the variant to alter splicing and produce an abnormal transcript [SpliceAI: 0.99 (spliceogenicity >=0.2, non-spliceogenicity <0.1)]. Therefore, this variant is classified as Pathogenic according to the recommendation of ACMG/AMP guideline.

NM_001206427.2(ATP5MK):c.87+1G>A

Gene: ATP5MK (ATP synthase membrane subunit k; minus strand). Cytogenetic location: 10q24.33.
Variant type: single nucleotide variant.
Coding change: c.87+1G>A on transcript NM_001206427.2 (MANE Select); the canonical splice donor site of the intron after coding-DNA position 87, G replaced by A.
Molecular consequence: splice donor variant.
Genome position (GRCh38, 1-based): chr10:103,392,370, C>T on the plus strand (G>A on the coding strand, the complement: ATP5MK is on the minus strand). VCF-style: chr10-103392370-C-T. GRCh37 (hg19) VCF-style: chr10-105152127-C-T.
Other names: c.87+1G>A (NM_001206426.2, NM_032747.4).
Identifiers: ClinVar variation 4294000 (VCV004294000.2).